The following is an entry in ClinVar:

ClinVar aggregate classification (germline): Likely pathogenic (1 of 4 stars; one submission).

Conditions:
Benign hereditary chorea (BHC). Also called: Benign Hereditary Chorea (BHC); HEREDITARY PROGRESSIVE CHOREA WITHOUT DEMENTIA. Identifiers: Orphanet 1429, MedGen C0393584, MONDO:0021011, OMIM 118700.

Submission:

3billion
Classification: Likely pathogenic for Benign hereditary chorea. Last evaluated: 2025-08-07. Review status: criteria provided, single submitter. Criteria: ACMG Guidelines, 2015. Collection method: clinical testing. Allele origin: germline. Affected: yes.
Comment: The variant is not observed in the gnomAD v4.1.0 dataset. Predicted Consequence/Location: Frameshift: predicted to result in a loss or disruption of normal protein function through nonsense-mediated decay (NMD) or protein truncation. Multiple pathogenic variants are reported downstream of the variant. Therefore, this variant is classified as Likely pathogenic according to the recommendation of ACMG/AMP guideline.

NM_001079668.3(NKX2-1):c.313dup (p.Val105fs)

Genes: NKX2-1 (NK2 homeobox 1; minus strand), SFTA3 (surfactant associated 3; minus strand). Cytogenetic location: 14q13.3.
Variant type: Duplication.
Coding change: c.313dup on transcript NM_001079668.3 (MANE Select); coding-DNA position 313, one base duplicated (G; older notation c.313dupG).
Protein change: p.Val105fs; shifts the reading frame from valine 105.
Molecular consequence: frameshift variant.
Genome position (GRCh38, 1-based): chr14:36,519,135, C duplicated on the plus strand (G on the coding strand, the reverse complement: NKX2-1 is on the minus strand); the first of 5 consecutive C bases (chr14:36,519,135-36,519,139); duplicating any one gives the same sequence. VCF-style (leftmost placement, unchanged base first): chr14-36519134-A-AC. GRCh37 (hg19) VCF-style: chr14-36988339-A-AC.
Other names: c.223dup, p.Val75fs (NM_003317.4); short protein forms V105fs, V75fs.
Identifiers: ClinVar variation 4855750 (VCV004855750.1).